The following is an entry in ClinVar:

NM_004700.4(KCNQ4):c.1292+4G>T

Gene: KCNQ4 (potassium voltage-gated channel subfamily Q member 4; plus strand). Cytogenetic location: 1p34.2.
Variant type: single nucleotide variant.
Coding change: c.1292+4G>T on transcript NM_004700.4 (MANE Select); 4 bases into the intron after coding-DNA position 1292, G replaced by T.
Molecular consequence: intron variant.
Genome position (GRCh38, 1-based): chr1:40,824,262, G>T. VCF-style: chr1-40824262-G-T. GRCh37 (hg19) VCF-style: chr1-41289934-G-T.
Other names: c.1130+1860G>T (NM_172163.3).
Identifiers: ClinVar variation 2908906 (VCV002908906.3), dbSNP rs745335497, ClinGen allele CA794829.

ClinVar aggregate classification (germline): Uncertain significance (1 of 4 stars; one submission).

Allele frequency attached by ClinVar (database versions not stated): gnomAD 0.00001; TOPMed 0.00003; ExAC 0.00006.
gnomAD v4.1: 19 of 1,604,620 alleles (0.0012%); highest among the groups gnomAD compares: Admixed American, 0.029%; no homozygotes.

Submission:

Labcorp Genetics (formerly Invitae), Labcorp
Classification: Uncertain significance. Last evaluated: 2023-10-05. Review status: criteria provided, single submitter. Criteria: Invitae Variant Classification Sherloc (09022015). Collection method: clinical testing. Allele origin: germline.
Comment: This sequence change falls in intron 9 of the KCNQ4 gene. It does not directly change the encoded amino acid sequence of the KCNQ4 protein. It affects a nucleotide within the consensus splice site. This variant is present in population databases (rs745335497, gnomAD 0.04%). This variant has not been reported in the literature in individuals affected with KCNQ4-related conditions. Variants that disrupt the consensus splice site are a relatively common cause of aberrant splicing (PMID: 17576681, 9536098). Algorithms developed to predict the effect of sequence changes on RNA splicing suggest that this variant is not likely to affect RNA splicing. In summary, the available evidence is currently insufficient to determine the role of this variant in disease. Therefore, it has been classified as a Variant of Uncertain Significance.

Literature cited by the submitters: PubMed 17576681; PubMed 9536098.